The following is an entry in ClinVar:

NM_004614.5(TK2):c.142dup (p.Glu48fs)

Gene: TK2 (thymidine kinase 2; minus strand). Cytogenetic location: 16q21.
Variant type: Duplication.
Coding change: c.142dup on transcript NM_004614.5 (MANE Select); coding-DNA position 142, one base duplicated (G; older notation c.142dupG).
Protein change: p.Glu48fs; shifts the reading frame from glutamic acid 48.
Molecular consequence: frameshift variant. On other transcripts: 5 prime UTR variant (2), non-coding transcript variant (1).
Genome position (GRCh38, 1-based): chr16:66,548,992, C duplicated on the plus strand (G on the coding strand, the reverse complement: TK2 is on the minus strand). VCF-style (leftmost placement, unchanged base first): chr16-66548991-T-TC. GRCh37 (hg19) VCF-style: chr16-66582894-T-TC.
Other names: c.142dup (NM_004614.4); c.49dup, p.Glu17fs (NM_001172643.1, NM_001271935.1); c.142dup, p.Glu48fs (NM_001172644.2, NM_001172645.2); c.-101dup (NM_001271934.2); c.-150dup (NM_001272050.2); short protein forms E17fs, E48fs.
Identifiers: ClinVar variation 3778843 (VCV003778843.2), dbSNP rs281865503.

ClinVar aggregate classification (germline): Pathogenic (1 of 4 stars; one submission).

Conditions:
Mitochondrial disease. Also called: Mitochondrial disorders; Mitochondrial disorder. Identifiers: Orphanet 68380, MedGen C0751651, MeSH D028361, MONDO:0044970.

Submission:

Genomenon, Inc
Classification: Pathogenic for Mitochondrial disease. Last evaluated: 2025-11-24. Review status: criteria provided, single submitter. Criteria: Genomenon Sequence Variant Interpretation Standards - Updated. Collection method: curation. Allele origin: germline. Affected: yes.
Comment: TK2 p.Glu48GlyfsTer102 (c.142dup) is a frameshift variant that results in the production of a truncated protein which is predicted to have a deleterious effect on TK2 gene function. It is also described as c.268dupG, fs191X, fs149X, and E90GfsX102 in the literature. This variant has been observed in a proband affected with mitochondrial disease (12655576). This variant is not present at a significant frequency in gnomAD. In conclusion, we classify TK2 p.Glu48GlyfsTer102 (c.142dup) as a pathogenic variant.

Literature cited by the submitters: PubMed 12655576.